The following is an entry in ClinVar:

NM_001199107.2(TBC1D24):c.*622C>T

Gene: TBC1D24 (TBC1 domain family member 24; plus strand). Cytogenetic location: 16p13.3.
Variant type: single nucleotide variant.
Coding change: c.*622C>T on transcript NM_001199107.2 (MANE Select); 622 bases downstream of the stop codon, C replaced by T.
Molecular consequence: 3 prime UTR variant.
Genome position (GRCh38, 1-based): chr16:2,501,580, C>T. VCF-style: chr16-2501580-C-T. GRCh37 (hg19) VCF-style: chr16-2551581-C-T.
Other names: c.*622C>T (NM_020705.3).
Identifiers: ClinVar variation 886472 (VCV000886472.4), dbSNP rs181012332, ClinGen allele CA276810124.

ClinVar aggregate classification (germline): Likely benign (1 of 4 stars; one submission).

Conditions:
Familial infantile myoclonic epilepsy (FIME). Also called: TBC1D24-Related Familial Infantile Myoclonic Epilepsy (FIME); Epilepsy, Myoclonic, Infantile. Identifiers: Orphanet 352582, MedGen C0917800, MONDO:0011506, OMIM 605021.

Allele frequency attached by ClinVar (database versions not stated): 1000 Genomes Project 30x 0.00047; gnomAD 0.00100 and 0.00091; 1000 Genomes Project 0.00060; TOPMed 0.00093.

Submission:

Illumina Laboratory Services, Illumina
Classification: Likely benign for Familial infantile myoclonic epilepsy. Last evaluated: 2018-01-12. Review status: criteria provided, single submitter. Criteria: ICSL Variant Classification Criteria 13 December 2019. Collection method: clinical testing. Allele origin: germline.
Comment: This variant was observed in the ICSL laboratory as part of a predisposition screen in an ostensibly healthy population. It had not been previously curated by ICSL or reported in the Human Gene Mutation Database (HGMD: prior to June 1st, 2018), and was therefore a candidate for classification through an automated scoring system. Utilizing variant allele frequency, disease prevalence and penetrance estimates, and inheritance mode, an automated score was calculated to assess if this variant is too frequent to cause the disease. Based on the score and internal cut-off values, a variant classified as likely benign is not then subjected to further curation. The score for this variant resulted in a classification of likely benign for this disease.